The following is an entry in ClinVar:

ClinVar aggregate classification (germline): Conflicting classifications of pathogenicity. Review status: criteria provided, conflicting classifications (1 of 4 stars). 5 submissions from 5 submitters: Uncertain significance (1); Benign (1); Likely benign (3). Last evaluated 2025-10-13.

Conditions:
Hereditary cancer-predisposing syndrome. Also called: Hereditary neoplastic syndrome; Tumor predisposition; Neoplastic Syndromes, Hereditary; Hereditary Cancer Syndrome. Identifiers: Orphanet 140162, MedGen C0027672, MeSH D009386, MONDO:0015356.
Familial cancer of breast. Also called: Hereditary breast cancer; BREAST CANCER, FAMILIAL; hereditary breast carcinoma. Identifiers: Orphanet 227535, MedGen C0346153, MONDO:0016419, OMIM 114480. Disease mechanism: loss of function.

Allele frequency attached by ClinVar (database versions not stated): ExAC 0.00001; gnomAD exomes 0.00001 and 0.00002.

Submissions (5):

Labcorp Genetics (formerly Invitae), Labcorp
Classification: Likely benign for Familial cancer of breast. Last evaluated: 2025-10-13. Review status: criteria provided, single submitter. Criteria: Invitae Variant Classification Sherloc (09022015). Collection method: clinical testing. Allele origin: germline.

Myriad Genetics, Inc.
Classification: Benign for Familial cancer of breast. Last evaluated: 2024-07-25. Review status: criteria provided, single submitter. Criteria: Myriad Autosomal Dominant, Autosomal Recessive and X-Linked Classification Criteria (2023). Collection method: clinical testing. Allele origin: unknown.
Comment: This variant is considered benign. This variant is a silent/synonymous amino acid change and it is not expected to impact splicing.

GeneDx
Classification: Uncertain significance. Last evaluated: 2016-11-14. Review status: criteria provided, single submitter. Criteria: GeneDx Variant Classification (06012015). Collection method: clinical testing. Allele origin: germline. Affected: yes.
Comment: This variant is denoted BARD1 c.1393T>C at the DNA level. This variant is silent at the coding level, preserving a Leucine at codon 465; however, splicing models are uninformative for this variant. In the absence of RNA or functional studies, the actual effect of this variant is unknown. This variant has not, to our knowledge, been published in the literature as being pathogenic or benign. BARD1 c.1393T>C was not observed in approximately 6,500 individuals of European and African American ancestry in the NHLBI Exome Sequencing Project, indicating it is not a common benign variant in these populations.The nucleotide which is altered, a thymine (T) at base 1393, is not conserved. Based on currently available information, it is unclear whether BARD1 c.1393T>C is a pathogenic or benign variant. We consider it to be a variant of uncertain significance.

Ambry Genetics
Classification: Likely benign for Hereditary cancer-predisposing syndrome. Last evaluated: 2015-11-08. Review status: criteria provided, single submitter. Criteria: Ambry Variant Classification Scheme 2023. Collection method: clinical testing. Allele origin: germline.

Color Diagnostics, LLC DBA Color Health
Classification: Likely benign for Hereditary cancer-predisposing syndrome. Last evaluated: 2015-11-02. Review status: criteria provided, single submitter. Criteria: ACMG Guidelines, 2015. Collection method: clinical testing. Allele origin: germline.

NM_000465.4(BARD1):c.1393T>C (p.Leu465=)

Gene: BARD1 (BRCA1 associated RING domain 1; minus strand). Cytogenetic location: 2q35.
Variant type: single nucleotide variant.
Coding change: c.1393T>C on transcript NM_000465.4 (MANE Select); coding-DNA position 1393, T replaced by C.
Protein change: p.Leu465=; no amino-acid change (leucine 465 retained).
Molecular consequence: synonymous variant. On other transcripts: non-coding transcript variant (3), intron variant (3).
Genome position (GRCh38, 1-based): chr2:214,769,234, A>G on the plus strand (T>C on the coding strand, the complement: BARD1 is on the minus strand). VCF-style: chr2-214769234-A-G. GRCh37 (hg19) VCF-style: chr2-215633958-A-G.
Other names: c.1336T>C, p.Leu446= (NM_001282543.2); c.159-16679T>C (NM_001282548.2); c.216-16679T>C (NM_001282545.2); c.364+23063T>C (NM_001282549.2).
Identifiers: ClinVar variation 420331 (VCV000420331.19), dbSNP rs779653364, ClinGen allele CA2090272.
Genomic context (GRCh38, chr2:214,769,234, plus strand): 5'-TATAAACTATAAGAACTGTAAAACACAGAAAGAATGAGAATAAAAACCAGACAACTACCA[A>G]TGGTGTCCATCCAGCATGGTCTTTAACATTTGGATCACTTCCATTTTGTAAAAGGTATTC-3'
Protein context (NP_000456.2, residues 455-475): NVKDHAGWTP[Leu465=]HEACNHGHLK